The following is an entry in ClinVar:

ClinVar aggregate classification (germline): Uncertain significance (1 of 4 stars; one submission).

Allele frequency attached by ClinVar (database versions not stated): gnomAD exomes below 0.00001.
gnomAD v4.1: 1 of 1,253,226 alleles (0.00008%); highest among the groups gnomAD compares: Non-Finnish European, 0.0001%; no homozygotes.

Submission:

Labcorp Genetics (formerly Invitae), Labcorp
Classification: Uncertain significance. Last evaluated: 2022-05-24. Review status: criteria provided, single submitter. Criteria: Invitae Variant Classification Sherloc (09022015). Collection method: clinical testing. Allele origin: germline.
Comment: In summary, the available evidence is currently insufficient to determine the role of this variant in disease. Therefore, it has been classified as a Variant of Uncertain Significance. Algorithms developed to predict the effect of missense changes on protein structure and function are either unavailable or do not agree on the potential impact of this missense change (SIFT: "Deleterious"; PolyPhen-2: "Not Available"; Align-GVGD: "Class C0"). This variant has not been reported in the literature in individuals affected with TNFRSF11A-related conditions. This variant is not present in population databases (gnomAD no frequency). This sequence change replaces leucine, which is neutral and non-polar, with arginine, which is basic and polar, at codon 20 of the TNFRSF11A protein (p.Leu20Arg).

NM_003839.4(TNFRSF11A):c.59T>G (p.Leu20Arg)

Gene: TNFRSF11A (TNF receptor superfamily member 11a; plus strand). Cytogenetic location: 18q21.33.
Variant type: single nucleotide variant.
Coding change: c.59T>G on transcript NM_003839.4 (MANE Select); coding-DNA position 59, T replaced by G.
Protein change: p.Leu20Arg; replaces leucine 20 with arginine.
Molecular consequence: missense variant.
Genome position (GRCh38, 1-based): chr18:62,325,411, T>G. VCF-style: chr18-62325411-T-G. GRCh37 (hg19) VCF-style: chr18-59992644-T-G.
Other names: c.59T>G, p.Leu20Arg (NM_001270949.2, NM_001270950.2, NM_001270951.2 and 1 more transcripts); short protein forms L20R.
Identifiers: ClinVar variation 1998348 (VCV001998348.4), dbSNP rs2513224014, ClinGen allele CA402618752.
Genomic context (GRCh38, chr18:62,325,411, plus strand): 5'-CCATGGCCCCGCGCGCCCGGCGGCGCCGCCCGCTGTTCGCGCTGCTGCTGCTCTGCGCGC[T>G]GCTCGCCCGGCTGCAGGTAAGGAGCGCCCGCGCCTGCCGGGCCGCGCGGCCCGACGCCTC-3'
Protein context (NP_003830.1, residues 10-30): PLFALLLLCA[Leu20Arg]LARLQVALQI